The following is an entry in ClinVar:

ClinVar aggregate classification (germline): Conflicting classifications of pathogenicity. Review status: criteria provided, conflicting classifications (1 of 4 stars). 5 submissions from 5 submitters: Pathogenic (1); Likely pathogenic (2); Uncertain significance (1). 1 of the submissions does not count toward it. Last evaluated 2026-04-15.

Conditions:
ABCA4-related disorder. Also called: ABCA4-related condition; ABCA4-related disorders. Identifiers: MedGen CN239167.
Stargardt disease (FFM). Also called: Stargardt's disease; Fundus flavimaculatus. Identifiers: Orphanet 827, MedGen C0271093, MONDO:0019353.

Allele frequency attached by ClinVar (database versions not stated): gnomAD 0.00003 and 0.00004.
gnomAD v4.1: 33 of 1,613,842 alleles (0.002%); highest among the groups gnomAD compares: South Asian, 0.0066%; no homozygotes.

Submissions (5):

PreventionGenetics, part of Exact Sciences
Classification: Uncertain significance for ABCA4-related condition. Last evaluated: 2026-04-15. Review status: criteria provided, single submitter. Criteria: ACMG Guidelines, 2015. Collection method: clinical testing. Allele origin: germline.
Comment: The ABCA4 c.5242G>A variant is predicted to result in the amino acid substitution p.Gly1748Arg. This variant has been reported in individuals with Stargardt disease (Rivera et al. 2000. PubMed ID: 10958763; Table S2, Cornelis et al. 2022. PubMed ID: 35120629; Table S2, Del Pozo-Valero et al. 2022. PubMed ID: 35119454). This variant has also been reported in an individual with ABCA4-related disease (Lee et al. 2021. PubMed ID: 33909047); however, this individual also has a homozygous causative variant in ABCA4. This variant is reported in 0.032% of alleles in individuals of European (Finnish) descent in gnomAD. Another variant affecting the same amino acid position, c. 5243G>A, p.(Gly1748Glu), has been reported in individuals with Stargardt disease (Cornelis et al. 2022. PubMed ID: 35120629; Paavo et al. 2018. PubMed ID: 29847651). Although we suspect that this variant may be pathogenic, at this time, the clinical significance of this variant is uncertain due to the absence of conclusive functional and genetic evidence.

Women's Health and Genetics/Laboratory Corporation of America, LabCorp
Classification: Likely pathogenic for Stargardt disease. Last evaluated: 2025-08-15. Review status: criteria provided, single submitter. Criteria: LabCorp Variant Classification Summary - May 2015. Collection method: clinical testing. Allele origin: germline.
Comment: Variant summary: ABCA4 c.5242G>A (p.Gly1748Arg) results in a non-conservative amino acid change located in the ABC-2 type transporter, transmembrane domain (IPR013525) of the encoded protein sequence. Algorithms developed to predict the effect of missense changes on protein structure and function all suggest that this variant is likely to be disruptive. The variant allele was found at a frequency of 4e-05 in 251132 control chromosomes (gnomAD). This frequency is not significantly higher than estimated for a pathogenic variant in ABCA4 causing Stargardt disease (4e-05 vs 0.0014), allowing no conclusion about variant significance. c.5242G>A has been observed in individuals affected with Stargardt disease (Rivera_2000, Riveiro-Alvarez_2008, Del Pozo-Valero_2020, Lee_2021, Cornelis_2022). These data indicate that the variant may be associated with disease. To our knowledge, no experimental evidence demonstrating an impact on protein function has been reported. A different missense affecting the same amino acid, G1748E, is reported in affected individuals (HGMD), indicating the functional relevance of this codon. The following publications have been ascertained in the context of this evaluation (PMID: 35120629, 32619608, 35119454, 31964843, 33909047, 18977788, 10958763). ClinVar contains an entry for this variant (Variation ID: 99361). Based on the evidence outlined above, the variant was classified as likely pathogenic.

Labcorp Genetics (formerly Invitae), Labcorp
Classification: Pathogenic. Last evaluated: 2025-03-03. Review status: criteria provided, single submitter. Criteria: Invitae Variant Classification Sherloc (09022015). Collection method: clinical testing. Allele origin: germline.
Comment: This sequence change replaces glycine, which is neutral and non-polar, with arginine, which is basic and polar, at codon 1748 of the ABCA4 protein (p.Gly1748Arg). This variant is present in population databases (rs61753025, gnomAD 0.03%). This missense change has been observed in individual(s) with Stargardt disease (PMID: 10958763, 32619608). ClinVar contains an entry for this variant (Variation ID: 99361). Invitae Evidence Modeling of protein sequence and biophysical properties (such as structural, functional, and spatial information, amino acid conservation, physicochemical variation, residue mobility, and thermodynamic stability) indicates that this missense variant is expected to disrupt ABCA4 protein function with a positive predictive value of 95%. This variant disrupts the p.Gly1748 amino acid residue in ABCA4. Other variant(s) that disrupt this residue have been observed in individuals with ABCA4-related conditions (PMID: 29847651), which suggests that this may be a clinically significant amino acid residue. For these reasons, this variant has been classified as Pathogenic.

Blueprint Genetics
Classification: Likely pathogenic for ABCA4-related disorders. Last evaluated: 2024-10-16. Review status: criteria provided, single submitter. Criteria: ACMG Guidelines, 2015. Collection method: clinical testing. Allele origin: germline. Affected: yes. Observed: 5 variant alleles.

Retina International
No classification provided. Review status: no classification provided. Collection method: not provided. Allele origin: not provided. Not counted in ClinVar's aggregate classification.

Literature cited by the submitters: PubMed 31964843 (cited by Women's Health and Genetics/Laboratory Corporation of America, LabCorp); PubMed 35119454 (cited by Women's Health and Genetics/Laboratory Corporation of America, LabCorp); PubMed 10958763 (cited by Women's Health and Genetics/Laboratory Corporation of America, LabCorp and Labcorp Genetics (formerly Invitae), Labcorp); PubMed 32619608 (cited by Women's Health and Genetics/Laboratory Corporation of America, LabCorp and Labcorp Genetics (formerly Invitae), Labcorp); PubMed 35120629 (cited by Women's Health and Genetics/Laboratory Corporation of America, LabCorp); PubMed 33909047 (cited by Women's Health and Genetics/Laboratory Corporation of America, LabCorp); PubMed 18977788 (cited by Women's Health and Genetics/Laboratory Corporation of America, LabCorp); PubMed 29847651 (cited by Labcorp Genetics (formerly Invitae), Labcorp).

NM_000350.3(ABCA4):c.5242G>A (p.Gly1748Arg)

Gene: ABCA4 (ATP binding cassette subfamily A member 4; minus strand). Cytogenetic location: 1p22.1.
Variant type: single nucleotide variant.
Coding change: c.5242G>A on transcript NM_000350.3 (MANE Select); coding-DNA position 5242, G replaced by A.
Protein change: p.Gly1748Arg; replaces glycine 1748 with arginine.
Molecular consequence: missense variant.
Genome position (GRCh38, 1-based): chr1:94,015,809, C>T on the plus strand (G>A on the coding strand, the complement: ABCA4 is on the minus strand). VCF-style: chr1-94015809-C-T. GRCh37 (hg19) VCF-style: chr1-94481365-C-T.
Other names: c.5020G>A, p.Gly1674Arg (NM_001425324.1); short protein forms G1748R, G1674R.
Identifiers: ClinVar variation 99361 (VCV000099361.15), dbSNP rs61753025, ClinGen allele CA227290.